The following is an entry in ClinVar:

NM_001725.3(BPI):c.534G>C (p.Val178=)

Gene: BPI (bactericidal permeability increasing protein; plus strand). Cytogenetic location: 20q11.23.
Variant type: single nucleotide variant.
Coding change: c.534G>C on transcript NM_001725.3 (MANE Select); coding-DNA position 534, G replaced by C.
Protein change: p.Val178=; no amino-acid change (valine 178 retained).
Molecular consequence: synonymous variant.
Genome position (GRCh38, 1-based): chr20:38,310,650, G>C. VCF-style: chr20-38310650-G-C. GRCh37 (hg19) VCF-style: chr20-36939052-G-C.
Identifiers: ClinVar variation 402432 (VCV000402432.5), dbSNP rs5743507, ClinGen allele CA9852159.
Genomic context (GRCh38, chr20:38,310,650, plus strand): 5'-CTGCTCCAGCTGCAGCAGCCACATCAACAGTGTCCACGTGCACATCTCAAAGAGCAAAGT[G>C]GGGTATGGACTCCCGGGACTGTGGCTGGGAGGAGGGACTTAAAGAAGAACTCTCCCAATC-3'
Protein context (NP_001716.3, residues 168-188): SVHVHISKSK[Val178=]GWLIQLFHKK

ClinVar aggregate classification (germline): Benign. Review status: criteria provided, multiple submitters, no conflicts (2 of 4 stars). 2 submissions from 2 submitters: Benign (2). Last evaluated 2016-03-28.

Allele frequency attached by ClinVar (database versions not stated): 1000 Genomes Project 0.05571; 1000 Genomes Project 30x 0.05637; ESP Exome Variant Server 0.08388; TOPMed 0.08413; gnomAD 0.08466 and 0.08711; ExAC 0.09203; gnomAD exomes 0.09364 and 0.10645.
gnomAD v4.1: 167,468 of 1,611,708 alleles (10%); highest among the groups gnomAD compares: Admixed American, 14%; 9,717 homozygotes.

Submissions (2):

Laboratory for Molecular Medicine, Mass General Brigham Personalized Medicine
Classification: Benign. Last evaluated: 2016-03-28. Review status: criteria provided, single submitter. Criteria: LMM Criteria. Collection method: clinical testing. Allele origin: germline.
Comment: Variant identified in a genome or exome case(s) and assessed due to predicted null impact of the variant or pathogenic assertions in the literature or databases. Disclaimer: This variant has not undergone full assessment. The following are preliminary notes: Frequency

Breakthrough Genomics
Classification: Benign. Review status: criteria provided, single submitter. Criteria: ACMG Guidelines, 2015. Collection method: not provided. Allele origin: germline. Inheritance: Unknown mechanism. Affected: yes.